The following is an entry in ClinVar:

ClinVar aggregate classification (germline): Uncertain significance (1 of 4 stars; one submission).

Submission:

Women's Health and Genetics/Laboratory Corporation of America, LabCorp
Classification: Uncertain significance. Last evaluated: 2023-11-06. Review status: criteria provided, single submitter. Criteria: LabCorp Variant Classification Summary - May 2015. Collection method: clinical testing. Allele origin: germline.
Comment: Variant summary: ATP7B c.2581G>A (p.Ala861Thr) results in a non-conservative amino acid change in the encoded protein sequence. Five of five in-silico tools predict a damaging effect of the variant on protein function. The variant was absent in 249566 control chromosomes. The available data on variant occurrences in the general population are insufficient to allow any conclusion about variant significance. c.2581G>A has been reported in the literature in at least one compound heterozygous individual affected with atypical Wilson Disease (e.g. Xuan_2007). These data do not allow any conclusion about variant significance. To our knowledge, no experimental evidence demonstrating an impact on protein function has been reported. No submitters have cited clinical-significance assessments for this variant to ClinVar after 2014. Based on the evidence outlined above, the variant was classified as uncertain significance.

Literature cited by the submitters: PubMed 17629589.

NM_000053.4(ATP7B):c.2581G>A (p.Ala861Thr)

Gene: ATP7B (ATPase copper transporting beta; minus strand). Cytogenetic location: 13q14.3.
Variant type: single nucleotide variant.
Coding change: c.2581G>A on transcript NM_000053.4 (MANE Select); coding-DNA position 2581, G replaced by A.
Protein change: p.Ala861Thr; replaces alanine 861 with threonine.
Molecular consequence: missense variant.
Genome position (GRCh38, 1-based): chr13:51,950,156, C>T on the plus strand (G>A on the coding strand, the complement: ATP7B is on the minus strand). VCF-style: chr13-51950156-C-T. GRCh37 (hg19) VCF-style: chr13-52524292-C-T.
Other names: c.2095G>A, p.Ala699Thr (NM_001005918.3, NM_001406541.1, NM_001406542.1 and 1 more transcripts); c.2248G>A, p.Ala750Thr (NM_001243182.2); c.2347G>A, p.Ala783Thr (NM_001330578.2, NM_001406527.1, NM_001406528.1 and 2 more transcripts); c.2329G>A, p.Ala777Thr (NM_001330579.2, NM_001406531.1, NM_001406532.1 and 1 more transcripts); c.2581G>A, p.Ala861Thr (NM_001406511.1, NM_001406512.1, NM_001406513.1 and 7 more transcripts); c.2548G>A, p.Ala850Thr (NM_001406514.1); c.2485G>A, p.Ala829Thr (NM_001406517.1, NM_001406518.1); c.2437G>A, p.Ala813Thr (NM_001406520.1, NM_001406521.1, NM_001406522.1 and 1 more transcripts); and 8 more; short protein forms A431T, A645T, A667T, A699T, A718T, A745T, A750T, A751T.
Identifiers: ClinVar variation 2682332 (VCV002682332.1), dbSNP rs2547671646, ClinGen allele CA388015392.